The following is an entry in ClinVar:

ClinVar aggregate classification (germline): Pathogenic (1 of 4 stars; one submission).

Conditions:
Neuronal ceroid lipofuscinosis 2. Also called: TPP1-Related Neuronal Ceroid-Lipofuscinosis; JANSKY-BIELSCHOWSKY DISEASE NEURONAL CEROID LIPOFUSCINOSIS, LATE INFANTILE. Identifiers: Orphanet 168491, Orphanet 228349, Orphanet 79264, MedGen C1876161, MONDO:0008769, OMIM 204500.

Submission:

Myriad Genetics, Inc.
Classification: Pathogenic for Neuronal ceroid lipofuscinosis 2. Last evaluated: 2025-08-18. Review status: criteria provided, single submitter. Criteria: Myriad Autosomal Dominant, Autosomal Recessive and X-Linked Classification Criteria (2023). Collection method: clinical testing. Allele origin: unknown.
Comment: NM_000391.3(TPP1):c.407delC(A136Vfs*16) is expected to be pathogenic in the context of TPP1-related neuronal ceroid lipofuscinosis. This variant is predicted to lead to an abnormal or absent protein product due to the creation of a premature termination codon in TPP1, a gene where loss-of-function variants are known to be pathogenic. Please note: this variant was assessed in the context of healthy population screening.

NM_000391.4(TPP1):c.407del (p.Ala136fs)

Gene: TPP1 (tripeptidyl peptidase 1; minus strand). Cytogenetic location: 11p15.4.
Variant type: Deletion.
Coding change: c.407del on transcript NM_000391.4 (MANE Select); coding-DNA position 407, one base deleted (C; older notation c.407delC).
Protein change: p.Ala136fs; shifts the reading frame from alanine 136.
Molecular consequence: frameshift variant.
Genome position (GRCh38, 1-based): chr11:6,617,402, G deleted on the plus strand (C on the coding strand, the reverse complement: TPP1 is on the minus strand). VCF-style (leftmost placement, unchanged base first): chr11-6617401-AG-A. GRCh37 (hg19) VCF-style: chr11-6638632-AG-A.
Other names: short protein forms A136fs.
Identifiers: ClinVar variation 5014883 (VCV005014883.1).